The following is an entry in ClinVar:

ClinVar aggregate classification (germline): Uncertain significance (1 of 4 stars; one submission).

Allele frequency attached by ClinVar (database versions not stated): gnomAD 0.00003; gnomAD exomes 0.00005; ExAC 0.00013; 1000 Genomes Project 30x 0.00016; 1000 Genomes Project 0.00020.
gnomAD v4.1: 81 of 1,613,692 alleles (0.005%); highest among the groups gnomAD compares: South Asian, 0.087%; no homozygotes.

Submission:

GeneDx
Classification: Uncertain significance. Last evaluated: 2024-04-24. Review status: criteria provided, single submitter. Criteria: GeneDx Variant Classification Process June 2021. Collection method: clinical testing. Allele origin: germline. Affected: yes.
Comment: In silico analysis indicates that this missense variant does not alter protein structure/function; This variant is associated with the following publications: (PMID: 32488467)

NM_016343.4(CENPF):c.5447T>C (p.Val1816Ala)

Gene: CENPF (centromere protein F; plus strand). Cytogenetic location: 1q41.
Variant type: single nucleotide variant.
Coding change: c.5447T>C on transcript NM_016343.4 (MANE Select); coding-DNA position 5447, T replaced by C.
Protein change: p.Val1816Ala; replaces valine 1816 with alanine.
Molecular consequence: missense variant.
Genome position (GRCh38, 1-based): chr1:214,645,017, T>C. VCF-style: chr1-214645017-T-C. GRCh37 (hg19) VCF-style: chr1-214818360-T-C.
Other names: short protein forms V1816A.
Identifiers: ClinVar variation 1723608 (VCV001723608.3), dbSNP rs566391082, ClinGen allele CA1390796.